The following is an entry in ClinVar:

ClinVar aggregate classification (germline): Uncertain significance. Review status: criteria provided, multiple submitters, no conflicts (2 of 4 stars). 2 submissions from 2 submitters: Uncertain significance (2). Last evaluated 2026-01-12.

Conditions:
Inborn genetic diseases. Identifiers: MedGen C0950123, MeSH D030342.
Facioscapulohumeral muscular dystrophy 2 (FSHD2). Also called: MUSCULAR DYSTROPHY, FACIOSCAPULOHUMERAL, TYPE 1B; FACIOSCAPULOHUMERAL MUSCULAR DYSTROPHY 2, DIGENIC; FSHD2, DIGENIC. Identifiers: Orphanet 269, MedGen C1834671, MONDO:0008031, OMIM 158901.

Allele frequency attached by ClinVar (database versions not stated): gnomAD 0.00009 and 0.00010; TOPMed 0.00014; ESP Exome Variant Server 0.00017; 1000 Genomes Project 0.00020; ExAC 0.00028; 1000 Genomes Project 30x 0.00031.
gnomAD v4.1: 74 of 1,593,518 alleles (0.0046%); highest among the groups gnomAD compares: Admixed American, 0.058%; 1 homozygote.

Submissions (2):

Labcorp Genetics (formerly Invitae), Labcorp
Classification: Uncertain significance for Facioscapulohumeral muscular dystrophy 2. Last evaluated: 2026-01-12. Review status: criteria provided, single submitter. Criteria: Invitae Variant Classification Sherloc (09022015). Collection method: clinical testing. Allele origin: germline.
Comment: This sequence change replaces arginine, which is basic and polar, with glutamine, which is neutral and polar, at codon 886 of the SMCHD1 protein (p.Arg886Gln). This variant is present in population databases (rs372815104, gnomAD 0.09%), and has an allele count higher than expected for a pathogenic variant. This variant has not been reported in the literature in individuals affected with SMCHD1-related conditions. ClinVar contains an entry for this variant (Variation ID: 1374124). Invitae Evidence Modeling of protein sequence and biophysical properties (such as structural, functional, and spatial information, amino acid conservation, physicochemical variation, residue mobility, and thermodynamic stability) indicates that this missense variant is not expected to disrupt SMCHD1 protein function with a negative predictive value of 80%. In summary, the available evidence is currently insufficient to determine the role of this variant in disease. Therefore, it has been classified as a Variant of Uncertain Significance.

Ambry Genetics
Classification: Uncertain significance for Inborn genetic diseases. Last evaluated: 2025-01-01. Review status: criteria provided, single submitter. Criteria: Ambry Variant Classification Scheme 2023. Collection method: clinical testing. Allele origin: germline.

NM_015295.3(SMCHD1):c.2657G>A (p.Arg886Gln)

Gene: SMCHD1 (structural maintenance of chromosomes flexible hinge domain containing 1; plus strand). Cytogenetic location: 18p11.32.
Variant type: single nucleotide variant.
Coding change: c.2657G>A on transcript NM_015295.3 (MANE Select); coding-DNA position 2657, G replaced by A.
Protein change: p.Arg886Gln; replaces arginine 886 with glutamine.
Molecular consequence: missense variant.
Genome position (GRCh38, 1-based): chr18:2,724,952, G>A. VCF-style: chr18-2724952-G-A. GRCh37 (hg19) VCF-style: chr18-2724950-G-A.
Other names: c.2657G>A (NM_015295.2); short protein forms R886Q.
Identifiers: ClinVar variation 1374124 (VCV001374124.7), dbSNP rs372815104, ClinGen allele CA8871031.